The following is an entry in ClinVar:

ClinVar aggregate classification (germline): Uncertain significance (1 of 4 stars; one submission).

Allele frequency attached by ClinVar (database versions not stated): gnomAD exomes below 0.00001; ExAC 0.00001.
gnomAD v4.1: 6 of 1,539,092 alleles (0.00039%); highest among the groups gnomAD compares: South Asian, 0.0052%; no homozygotes.

Submission:

Ambry Genetics
Classification: Uncertain significance. Last evaluated: 2023-04-07. Review status: criteria provided, single submitter. Criteria: Ambry Variant Classification Scheme 2023. Collection method: clinical testing. Allele origin: germline.
Comment: The p.D1988G variant (also known as c.5963A>G), located in coding exon 18 of the POLQ gene, results from an A to G substitution at nucleotide position 5963. The aspartic acid at codon 1988 is replaced by glycine, an amino acid with similar properties. This amino acid position is conserved. In addition, the in silico prediction for this alteration is inconclusive. Since supporting evidence is limited at this time, the clinical significance of this alteration remains unclear.

NM_199420.4(POLQ):c.5963A>G (p.Asp1988Gly)

Gene: POLQ (DNA polymerase theta; minus strand). Cytogenetic location: 3q13.33.
Variant type: single nucleotide variant.
Coding change: c.5963A>G on transcript NM_199420.4 (MANE Select); coding-DNA position 5963, A replaced by G.
Protein change: p.Asp1988Gly; replaces aspartic acid 1988 with glycine.
Molecular consequence: missense variant.
Genome position (GRCh38, 1-based): chr3:121,483,393, T>C on the plus strand (A>G on the coding strand, the complement: POLQ is on the minus strand). VCF-style: chr3-121483393-T-C. GRCh37 (hg19) VCF-style: chr3-121202240-T-C.
Other names: short protein forms D1988G.
Identifiers: ClinVar variation 2563788 (VCV002563788.2), dbSNP rs755019827, ClinGen allele CA2562601.
Genomic context (GRCh38, chr3:121,483,393, plus strand): 5'-TTAACACTAAAAATGTTGTTTTAAGTATATAAAAATTAAATTAGACATAGAACCTTAGGA[T>C]CTTCATAACTTTGCTCCAAGGAGATGCCACAAGAAAGAAGAAGAATTTTATAGCTCTGGA-3'
Protein context (NP_955452.3, residues 1978-1998): CGISLEQSYE[Asp1988Gly]PKVACWLLDP